The following is an entry in ClinVar:

ClinVar aggregate classification (germline): Likely benign (1 of 4 stars; one submission).

Conditions:
Breast-ovarian cancer, familial, susceptibility to, 3. Also called: RAD51C-Related Breast/Ovarian Cancer. Identifiers: Orphanet 145, MedGen C3150659, MONDO:0013253, OMIM 613399.

Submission:

Myriad Genetics, Inc.
Classification: Likely benign for Breast-ovarian cancer, familial, susceptibility to, 3. Last evaluated: 2025-02-19. Review status: criteria provided, single submitter. Criteria: Myriad Autosomal Dominant, Autosomal Recessive and X-Linked Classification Criteria (2023). Collection method: clinical testing. Allele origin: unknown.
Comment: This variant is considered likely benign. This variant is intronic and is not expected to impact mRNA splicing.

NM_058216.3(RAD51C):c.905-9T>C

Gene: RAD51C (RAD51 paralog C; plus strand). Cytogenetic location: 17q22.
Variant type: single nucleotide variant.
Coding change: c.905-9T>C on transcript NM_058216.3 (MANE Select); 9 bases into the intron before coding-DNA position 905, T replaced by C.
Molecular consequence: intron variant.
Genome position (GRCh38, 1-based): chr17:58,724,031, T>C. VCF-style: chr17-58724031-T-C. GRCh37 (hg19) VCF-style: chr17-56801392-T-C.
Identifiers: ClinVar variation 3903811 (VCV003903811.1).